The following is an entry in ClinVar:

NM_004006.3(DMD):c.1696G>T (p.Glu566Ter)

Gene: DMD (dystrophin; minus strand). Cytogenetic location: Xp21.1.
Variant type: single nucleotide variant.
Coding change: c.1696G>T on transcript NM_004006.3 (MANE Select); coding-DNA position 1696, G replaced by T.
Protein change: p.Glu566Ter; replaces glutamic acid 566 with a stop codon.
Molecular consequence: nonsense.
Genome position (GRCh38, 1-based): chrX:32,573,753, C>A on the plus strand (G>T on the coding strand, the complement: DMD is on the minus strand). VCF-style: chrX-32573753-C-A. GRCh37 (hg19) VCF-style: chrX-32591870-C-A.
Other names: c.1672G>T, p.Glu558Ter (NM_000109.4); c.1684G>T, p.Glu562Ter (NM_004009.3); c.1327G>T, p.Glu443Ter (NM_004010.3); short protein forms E443*, E558*, E562*, E566*.
Identifiers: ClinVar variation 1070671 (VCV001070671.7), dbSNP rs2149138125, ClinGen allele CA412673336.

ClinVar aggregate classification (germline): Pathogenic (1 of 4 stars; one submission).

Conditions:
Duchenne muscular dystrophy (DMD). Also called: MUSCULAR DYSTROPHY, PSEUDOHYPERTROPHIC PROGRESSIVE, DUCHENNE TYPE; Duchenne Muscular Dystrophy (DMD). Identifiers: Orphanet 98896, MedGen C0013264, MONDO:0010679, OMIM 310200.

Submission:

Labcorp Genetics (formerly Invitae), Labcorp
Classification: Pathogenic for Duchenne muscular dystrophy. Last evaluated: 2020-04-27. Review status: criteria provided, single submitter. Criteria: Invitae Variant Classification Sherloc (09022015). Collection method: clinical testing. Allele origin: germline.
Comment: For these reasons, this variant has been classified as Pathogenic. Loss-of-function variants in DMD are known to be pathogenic (PMID: 16770791, 25007885). This variant has not been reported in the literature in individuals with DMD-related conditions. This variant is not present in population databases (ExAC no frequency). This sequence change creates a premature translational stop signal (p.Glu566*) in the DMD gene. It is expected to result in an absent or disrupted protein product.

Literature cited by the submitters: PubMed 16770791; PubMed 25007885.